The following is an entry in ClinVar:

NC_000013.10:g.(?_23808730)_(23808871_?)del

Gene: SGCG (sarcoglycan gamma; plus strand). Cytogenetic location: 13q12.12.
Variant type: Deletion.
Identifiers: ClinVar variation 1460232 (VCV001460232.9).

ClinVar aggregate classification (germline): Pathogenic (1 of 4 stars; one submission).

Conditions:
Autosomal recessive limb-girdle muscular dystrophy type 2C (LGMDR5). Also called: MUSCULAR DYSTROPHY, DUCHENNE-LIKE; MUSCULAR DYSTROPHY, LIMB-GIRDLE, AUTOSOMAL RECESSIVE 5. Identifiers: Orphanet 353, MedGen C0410173, MONDO:0009677, OMIM 253700. Disease mechanism: Affects gamma-sarcoglycan and also disrupts the integrity of the entire sarcoglycan complex..

Submission:

Labcorp Genetics (formerly Invitae), Labcorp
Classification: Pathogenic for Autosomal recessive limb-girdle muscular dystrophy type 2C. Last evaluated: 2023-11-09. Review status: criteria provided, single submitter. Criteria: Invitae Variant Classification Sherloc (09022015). Collection method: clinical testing. Allele origin: germline.
Comment: This variant is a gross deletion of the genomic region encompassing exon(s) 3 of the SGCG gene. This variant would be expected to be in-frame, preserving the integrity of the reading frame. A similar copy number variant has been observed in individuals with autosomal recessive limb-girdle muscular dystrophy (LGMD) (PMID: 18285821). This variant has been reported in individual(s) with autosomal dominant LGMD (PMID: 18285821; Invitae); however, the role of the variant in this condition is currently unclear. This variant disrupts the p.Gly69 amino acid residue in SGCG. Other variant(s) that disrupt this residue have been determined to be pathogenic (PMID: 10714584, 22095924). This suggests that this residue is clinically significant, and that variants that disrupt this residue are likely to be disease-causing. For these reasons, this variant has been classified as Pathogenic.

Literature cited by the submitters: PubMed 18285821; PubMed 10714584; PubMed 22095924.